The following is an entry in ClinVar:

ClinVar aggregate classification (germline): Conflicting classifications of pathogenicity. Review status: criteria provided, conflicting classifications (1 of 4 stars). 4 submissions from 4 submitters: Uncertain significance (1); Likely benign (2). 1 of the submissions does not count toward it. Last evaluated 2024-10-30.

Conditions:
F13A1-related disorder. Also called: F13A1-related condition.
Factor XIII, A subunit, deficiency of. Also called: Factor XIII subunit A deficiency. Identifiers: Orphanet 331, MedGen C2750514, MONDO:0013187, OMIM 613225, HP:0040233.

Allele frequency attached by ClinVar (database versions not stated): ESP Exome Variant Server 0.00023; ExAC 0.00045; gnomAD 0.00052 and 0.00053; TOPMed 0.00056; gnomAD exomes 0.00063 and 0.00076.
gnomAD v4.1: 1,198 of 1,613,896 alleles (0.074%); highest among the groups gnomAD compares: Admixed American, 0.082%; no homozygotes.

Submissions (4):

Blueprint Genetics
Classification: Likely benign. Last evaluated: 2024-10-30. Review status: criteria provided, single submitter. Criteria: ACMG Guidelines, 2015. Collection method: clinical testing. Allele origin: germline.

CeGaT Center for Human Genetics Tuebingen
Classification: Likely benign. Last evaluated: 2024-08-01. Review status: criteria provided, single submitter. Criteria: CeGaT Center For Human Genetics Tuebingen Variant Classification Criteria Version 2. Collection method: clinical testing. Allele origin: germline. Affected: yes. Observed: 1 variant allele.
Comment: F13A1: BP4, BP7

Illumina Laboratory Services, Illumina
Classification: Uncertain significance for Factor XIII, A subunit, deficiency of. Last evaluated: 2018-01-13. Review status: criteria provided, single submitter. Criteria: ICSL Variant Classification Criteria 13 December 2019. Collection method: clinical testing. Allele origin: germline.

PreventionGenetics, part of Exact Sciences
Classification: Likely benign for F13A1-related condition. Last evaluated: 2024-03-04. Review status: no assertion criteria provided. Collection method: clinical testing. Allele origin: germline. Not counted in ClinVar's aggregate classification.
Comment: This variant is classified as likely benign based on ACMG/AMP sequence variant interpretation guidelines (Richards et al. 2015 PMID: 25741868, with internal and published modifications).

NM_000129.4(F13A1):c.1860G>C (p.Leu620=)

Gene: F13A1 (coagulation factor XIII A chain; minus strand). Cytogenetic location: 6p25.1.
Variant type: single nucleotide variant.
Coding change: c.1860G>C on transcript NM_000129.4 (MANE Select); coding-DNA position 1860, G replaced by C.
Protein change: p.Leu620=; no amino-acid change (leucine 620 retained).
Molecular consequence: synonymous variant.
Genome position (GRCh38, 1-based): chr6:6,167,506, C>G on the plus strand (G>C on the coding strand, the complement: F13A1 is on the minus strand). VCF-style: chr6-6167506-C-G. GRCh37 (hg19) VCF-style: chr6-6167739-C-G.
Identifiers: ClinVar variation 357670 (VCV000357670.22), dbSNP rs138943514, ClinGen allele CA3624221.